The following is an entry in ClinVar:

NM_000135.4(FANCA):c.1817C>G (p.Ser606Cys)

Gene: FANCA (FA complementation group A; minus strand). Cytogenetic location: 16q24.3.
Variant type: single nucleotide variant.
Coding change: c.1817C>G on transcript NM_000135.4 (MANE Select); coding-DNA position 1817, C replaced by G.
Protein change: p.Ser606Cys; replaces serine 606 with cysteine.
Molecular consequence: missense variant.
Genome position (GRCh38, 1-based): chr16:89,778,810, G>C on the plus strand (C>G on the coding strand, the complement: FANCA is on the minus strand). VCF-style: chr16-89778810-G-C. GRCh37 (hg19) VCF-style: chr16-89845218-G-C.
Other names: c.1817C>G, p.Ser606Cys (NM_001286167.3); short protein forms S606C.
Identifiers: ClinVar variation 1319528 (VCV001319528.4), dbSNP rs2143422330, ClinGen allele CA397454366.
Genomic context (GRCh38, chr16:89,778,810, plus strand): 5'-TGTCAGAAGAAACCTGGAAGTAGTCATCCCCTTCTAACCGTTGCTGCATACCTCTTCAGA[G>C]ACTCTATAAACGCCACACGGGAGTCAGGGACTTTGGGGAGCTGTGGGAAGAGAAGAGACC-3'
Protein context (NP_000126.2, residues 596-616): VPDSRVAFIE[Ser606Cys]LKRADKIPPS

ClinVar aggregate classification (germline): Uncertain significance. Review status: criteria provided, multiple submitters, no conflicts (2 of 4 stars). 2 submissions from 2 submitters: Uncertain significance (2). Last evaluated 2025-11-29.

Conditions:
Inborn genetic diseases. Identifiers: MedGen C0950123, MeSH D030342.

gnomAD v4.1: 8 of 1,613,986 alleles (0.0005%); highest among the groups gnomAD compares: Non-Finnish European, 0.00068%; no homozygotes.

Submissions (2):

Ambry Genetics
Classification: Uncertain significance for Inborn genetic diseases. Last evaluated: 2025-11-29. Review status: criteria provided, single submitter. Criteria: Ambry Variant Classification Scheme 2023. Collection method: clinical testing. Allele origin: germline.
Comment: The p.S606C variant (also known as c.1817C>G), located in coding exon 20 of the FANCA gene, results from a C to G substitution at nucleotide position 1817. The serine at codon 606 is replaced by cysteine, an amino acid with dissimilar properties. This amino acid position is conserved. In addition, the in silico prediction for this alteration is inconclusive. Based on the available evidence, the clinical significance of this variant remains unclear.

Institute for Clinical Genetics, University Hospital TU Dresden, University Hospital TU Dresden
Classification: Uncertain significance. Last evaluated: 2021-11-03. Review status: criteria provided, single submitter. Criteria: ACMG Guidelines, 2015. Collection method: clinical testing. Allele origin: germline.